The following is an entry in ClinVar:

NM_130384.3(ATRIP):c.1474G>T (p.Val492Phe)

Genes: ATRIP (ATR interacting protein; plus strand), ATRIP-TREX1 (ATRIP-TREX1 readthrough; plus strand). Cytogenetic location: 3p21.31.
Variant type: single nucleotide variant.
Coding change: c.1474G>T on transcript NM_130384.3 (MANE Select); coding-DNA position 1474, G replaced by T.
Protein change: p.Val492Phe; replaces valine 492 with phenylalanine.
Molecular consequence: missense variant. On other transcripts: non-coding transcript variant (1).
Genome position (GRCh38, 1-based): chr3:48,460,528, G>T. VCF-style: chr3-48460528-G-T. GRCh37 (hg19) VCF-style: chr3-48501927-G-T.
Other names: c.1093G>T, p.Val365Phe (NM_001271022.2); c.1195G>T, p.Val399Phe (NM_001271023.2); c.1474G>T, p.Val492Phe (NM_032166.4); short protein forms V492F, V399F, V365F.
Identifiers: ClinVar variation 3810343 (VCV003810343.1).

ClinVar aggregate classification (germline): Uncertain significance (1 of 4 stars; one submission).

Submission:

Ambry Genetics
Classification: Uncertain significance. Last evaluated: 2025-02-02. Review status: criteria provided, single submitter. Criteria: Ambry Variant Classification Scheme 2023. Collection method: clinical testing. Allele origin: germline.
Comment: The p.V492F variant (also known as c.1474G>T), located in coding exon 8 of the ATRIP gene, results from a G to T substitution at nucleotide position 1474. The valine at codon 492 is replaced by phenylalanine, an amino acid with highly similar properties. This amino acid position is conserved. In addition, this alteration is predicted to be deleterious by in silico analysis. Based on the available evidence, the clinical significance of this variant remains unclear.